The following is an entry in ClinVar:

ClinVar aggregate classification (germline): Conflicting classifications of pathogenicity. Review status: criteria provided, conflicting classifications (1 of 4 stars). 2 submissions from 2 submitters: Uncertain significance (1); Benign (1). Last evaluated 2026-01-28.

Conditions:
Combined immunodeficiency due to DOCK8 deficiency (HIES2). Also called: HIES autosomal recessive; Hyper-IgE recurrent infection syndrome, autosomal recessive; DOCK8 Deficiency; HYPER-IgE RECURRENT INFECTION SYNDROME 2, AUTOSOMAL RECESSIVE; HYPER-IgE SYNDROME 2, AUTOSOMAL RECESSIVE, WITH RECURRENT INFECTIONS. Identifiers: Orphanet 217390, MedGen C4722305, MONDO:0009478, OMIM 243700.

Allele frequency attached by ClinVar (database versions not stated): TOPMed 0.00006; gnomAD 0.00009 and 0.00013; ExAC 0.00019; 1000 Genomes Project 30x 0.00109; 1000 Genomes Project 0.00140.
gnomAD v4.1: 79 of 1,614,240 alleles (0.0049%); highest among the groups gnomAD compares: East Asian, 0.15%; 1 homozygote.

Submissions (2):

Labcorp Genetics (formerly Invitae), Labcorp
Classification: Benign for Combined immunodeficiency due to DOCK8 deficiency. Last evaluated: 2026-01-28. Review status: criteria provided, single submitter. Criteria: Invitae Variant Classification Sherloc (09022015). Collection method: clinical testing. Allele origin: germline.

GeneDx
Classification: Uncertain significance. Last evaluated: 2016-12-23. Review status: criteria provided, single submitter. Criteria: GeneDx Variant Classification (06012015). Collection method: clinical testing. Allele origin: germline. Affected: yes.
Comment: The c.3603 C>G variant in the DOCK8 gene has not been reported previously as a pathogenic variant, nor as a benign variant, to our knowledge. Multiple in silico algorithms predict that c.3603 C>G creates a cryptic splice donor site upstream of the natural donor site in exon 29, which may cause abnormal gene splicing. However, in the absence of RNA/functional studies, the actual effect of c.3603 C>G in this individual is unknown. The c.3603 C>G variant was not observed in approximately 6,500 individuals of European and African American ancestry in the NHLBI Exome Sequencing Project, indicating it is not a common benign variant in these populations. We interpret c.3603 C>G as a variant of uncertain significance.

NM_203447.4(DOCK8):c.3603C>G (p.Arg1201=)

Gene: DOCK8 (dedicator of cytokinesis 8; plus strand). Cytogenetic location: 9p24.3.
Variant type: single nucleotide variant.
Coding change: c.3603C>G on transcript NM_203447.4 (MANE Select); coding-DNA position 3603, C replaced by G.
Protein change: p.Arg1201=; no amino-acid change (arginine 1201 retained).
Molecular consequence: synonymous variant.
Genome position (GRCh38, 1-based): chr9:414,854, C>G. VCF-style: chr9-414854-C-G. GRCh37 (hg19) VCF-style: chr9-414854-C-G.
Other names: c.3303C>G, p.Arg1101= (NM_001190458.2); c.3399C>G, p.Arg1133= (NM_001193536.2).
Identifiers: ClinVar variation 392198 (VCV000392198.11), dbSNP rs149908718, ClinGen allele CA4958758.